The following is an entry in ClinVar:

NM_003922.4(HERC1):c.4951A>T (p.Met1651Leu)

Gene: HERC1 (HECT and RLD domain containing E3 ubiquitin protein ligase family member 1; minus strand). Cytogenetic location: 15q22.31.
Variant type: single nucleotide variant.
Coding change: c.4951A>T on transcript NM_003922.4 (MANE Select); coding-DNA position 4951, A replaced by T.
Protein change: p.Met1651Leu; replaces methionine 1651 with leucine.
Molecular consequence: missense variant.
Genome position (GRCh38, 1-based): chr15:63,696,294, T>A on the plus strand (A>T on the coding strand, the complement: HERC1 is on the minus strand). VCF-style: chr15-63696294-T-A. GRCh37 (hg19) VCF-style: chr15-63988493-T-A.
Other names: c.4951A>T (NM_003922.3); short protein forms M1651L.
Identifiers: ClinVar variation 2990092 (VCV002990092.4), dbSNP rs548575551, ClinGen allele CA272102256.
Genomic context (GRCh38, chr15:63,696,294, plus strand): 5'-AGGACTGGAAGCCTGAACTCAATCTGCTTCCTGCCAGTGAGATGCTACCTTTTTCTTCCA[T>A]CCCAGACAATAGAACGAGGATCTGATGAAGTGCCTCTAAACGAAGCTTGAGGAAAAAAAC-3'
Protein context (NP_003913.3, residues 1641-1661): LHQILVLLSG[Met1651Leu]EEKGSISLAG

ClinVar aggregate classification (germline): Uncertain significance. Review status: criteria provided, multiple submitters, no conflicts (2 of 4 stars). 2 submissions from 2 submitters: Uncertain significance (2). Last evaluated 2025-02-09.

Conditions:
Inborn genetic diseases. Identifiers: MedGen C0950123, MeSH D030342.

Allele frequency attached by ClinVar (database versions not stated): TOPMed below 0.00001.

Submissions (2):

Ambry Genetics
Classification: Uncertain significance for Inborn genetic diseases. Last evaluated: 2025-02-09. Review status: criteria provided, single submitter. Criteria: Ambry Variant Classification Scheme 2023. Collection method: clinical testing. Allele origin: germline.

Labcorp Genetics (formerly Invitae), Labcorp
Classification: Uncertain significance. Last evaluated: 2023-07-07. Review status: criteria provided, single submitter. Criteria: Invitae Variant Classification Sherloc (09022015). Collection method: clinical testing. Allele origin: germline.
Comment: In summary, the available evidence is currently insufficient to determine the role of this variant in disease. Therefore, it has been classified as a Variant of Uncertain Significance. Advanced modeling of protein sequence and biophysical properties (such as structural, functional, and spatial information, amino acid conservation, physicochemical variation, residue mobility, and thermodynamic stability) performed at Invitae indicates that this missense variant is not expected to disrupt HERC1 protein function. This variant has not been reported in the literature in individuals affected with HERC1-related conditions. This variant is present in population databases (rs548575551, gnomAD 0.003%). This sequence change replaces methionine, which is neutral and non-polar, with leucine, which is neutral and non-polar, at codon 1651 of the HERC1 protein (p.Met1651Leu).